The following is an entry in ClinVar:

ClinVar aggregate classification (germline): Uncertain significance. Review status: criteria provided, multiple submitters, no conflicts (2 of 4 stars). 2 submissions from 2 submitters: Uncertain significance (2). Last evaluated 2025-04-04.

Allele frequency attached by ClinVar (database versions not stated): gnomAD exomes below 0.00001; ExAC 0.00001; gnomAD 0.00001; 1000 Genomes Project 30x 0.00016; 1000 Genomes Project 0.00020.

Submissions (2):

Ambry Genetics
Classification: Uncertain significance. Last evaluated: 2025-04-04. Review status: criteria provided, single submitter. Criteria: Ambry Variant Classification Scheme 2023. Collection method: clinical testing. Allele origin: germline.

Labcorp Genetics (formerly Invitae), Labcorp
Classification: Uncertain significance. Last evaluated: 2023-01-16. Review status: criteria provided, single submitter. Criteria: Invitae Variant Classification Sherloc (09022015). Collection method: clinical testing. Allele origin: germline.
Comment: In summary, the available evidence is currently insufficient to determine the role of this variant in disease. Therefore, it has been classified as a Variant of Uncertain Significance. Algorithms developed to predict the effect of missense changes on protein structure and function output the following: SIFT: "Tolerated"; PolyPhen-2: "Benign"; Align-GVGD: "Class C0". The phenylalanine amino acid residue is found in multiple mammalian species, which suggests that this missense change does not adversely affect protein function. This variant has not been reported in the literature in individuals affected with PSENEN-related conditions. This variant is present in population databases (rs201796315, gnomAD 0.007%). This sequence change replaces leucine, which is neutral and non-polar, with phenylalanine, which is neutral and non-polar, at codon 43 of the PSENEN protein (p.Leu43Phe).

NM_172341.4(PSENEN):c.127C>T (p.Leu43Phe)

Gene: PSENEN (presenilin enhancer, gamma-secretase subunit; plus strand). Cytogenetic location: 19q13.12.
Variant type: single nucleotide variant.
Coding change: c.127C>T on transcript NM_172341.4 (MANE Select); coding-DNA position 127, C replaced by T.
Protein change: p.Leu43Phe; replaces leucine 43 with phenylalanine.
Molecular consequence: missense variant.
Genome position (GRCh38, 1-based): chr19:35,746,484, C>T. VCF-style: chr19-35746484-C-T. GRCh37 (hg19) VCF-style: chr19-36237385-C-T.
Other names: c.127C>T, p.Leu43Phe (NM_001281532.3); c.127C>T (NM_172341.1); short protein forms L43F.
Identifiers: ClinVar variation 2989602 (VCV002989602.4), dbSNP rs201796315, ClinGen allele CA9387021.
Genomic context (GRCh38, chr19:35,746,484, plus strand): 5'-TTTGCTTTCCTGCCTTTTCTCTGGTTGGTCAACATCTTCTGGTTCTTCCGAGAGGCCTTC[C>T]TTGTCCCAGCCTACACAGAACAGAGCCAAATCAAAGGCTGTGAGTCTAGAGCACAGAGGA-3'
Protein context (NP_758844.1, residues 33-53): NIFWFFREAF[Leu43Phe]VPAYTEQSQI